The following is an entry in ClinVar:

ClinVar aggregate classification (germline): Pathogenic (1 of 4 stars; one submission).

Conditions:
Hereditary breast ovarian cancer syndrome. Also called: Hereditary breast and/or ovarian cancer syndrome; BRCA1- and BRCA2-Associated Hereditary Breast and Ovarian Cancer; Hereditary breast and ovarian cancer syndrome; Hereditary breast and ovarian cancer; Hereditary breast and ovarian cancer syndrome (HBOC); Breast and ovarian cancer. Identifiers: Orphanet 145, MedGen C0677776, MeSH D061325, MONDO:0003582. Disease mechanism: loss of function.

Submissions (2):

Labcorp Genetics (formerly Invitae), Labcorp
Classification: Pathogenic for Hereditary breast ovarian cancer syndrome. Last evaluated: 2022-01-27. Review status: criteria provided, single submitter. Criteria: Invitae Variant Classification Sherloc (09022015). Collection method: clinical testing. Allele origin: germline.
Comment: For these reasons, this variant has been classified as Pathogenic. ClinVar contains an entry for this variant (Variation ID: 848155). This variant has not been reported in the literature in individuals affected with BRCA1-related conditions. This variant is not present in population databases (gnomAD no frequency). This sequence change creates a premature translational stop signal (p.Gly1743*) in the BRCA1 gene. It is expected to result in an absent or disrupted protein product. Loss-of-function variants in BRCA1 are known to be pathogenic (PMID: 20104584).

Brotman Baty Institute, University of Washington
No classification provided (evidence only). Condition: Breast-ovarian cancer, familial 1. Review status: no classification provided. Collection method: in vitro. Allele origin: not applicable. Functional consequence: functionally_abnormal. Not counted in ClinVar's aggregate classification.
ClinVar note: "not provided" was previously submitted as the classification for the variant. However, the classification appeared to be based only on an observation of functional data so it was converted to no classification on 2025-07-30.

Literature cited by the submitters: PubMed 20104584 (cited by Labcorp Genetics (formerly Invitae), Labcorp).

NM_007294.4(BRCA1):c.5227G>T (p.Gly1743Ter)

Gene: BRCA1 (BRCA1 DNA repair associated; minus strand). Cytogenetic location: 17q21.31.
Variant type: single nucleotide variant.
Coding change: c.5227G>T on transcript NM_007294.4 (MANE Select); coding-DNA position 5227, G replaced by T.
Protein change: p.Gly1743Ter; replaces glycine 1743 with a stop codon.
Molecular consequence: nonsense. On other transcripts: non-coding transcript variant (1).
Genome position (GRCh38, 1-based): chr17:43,057,102, C>A on the plus strand (G>T on the coding strand, the complement: BRCA1 is on the minus strand). VCF-style: chr17-43057102-C-A. GRCh37 (hg19) VCF-style: chr17-41209119-C-A.
Other names: c.5014G>T, p.Gly1672Ter (NM_001407571.1, NM_001407894.1, NM_001407895.1 and 12 more transcripts); c.5293G>T, p.Gly1765Ter (NM_001407581.1, NM_001407582.1); c.5290G>T, p.Gly1764Ter (NM_001407583.1, NM_001407585.1, NM_001407587.1 and 1 more transcripts); c.5287G>T, p.Gly1763Ter (NM_001407590.1, NM_001407591.1); c.5227G>T, p.Gly1743Ter (NM_001407593.1, NM_001407594.1, NM_001407596.1 and 7 more transcripts); c.5224G>T, p.Gly1742Ter (NM_001407616.1, NM_001407617.1, NM_001407618.1 and 17 more transcripts); c.5221G>T, p.Gly1741Ter (NM_001407635.1, NM_001407636.1, NM_001407637.1 and 14 more transcripts); c.5218G>T, p.Gly1740Ter (NM_001407644.1, NM_001407645.1); and 72 more; short protein forms G1743*, G1696*, G1764*, G639*, G1446*, G1447*, G1655*, G1695*.
Identifiers: ClinVar variation 848155 (VCV000848155.11), dbSNP rs2051517323, ClinGen allele CA10591088.